The following is an entry in ClinVar:

NM_005342.4(HMGB3):c.86A>G (p.Lys29Arg)

Gene: HMGB3 (high mobility group box 3; plus strand). Cytogenetic location: Xq28.
Variant type: single nucleotide variant.
Coding change: c.86A>G on transcript NM_005342.4 (MANE Select); coding-DNA position 86, A replaced by G.
Protein change: p.Lys29Arg; replaces lysine 29 with arginine.
Molecular consequence: missense variant.
Genome position (GRCh38, 1-based): chrX:150,985,685, A>G. VCF-style: chrX-150985685-A-G. GRCh37 (hg19) VCF-style: chrX-150154158-A-G.
Other names: c.86A>G, p.Lys29Arg (NM_001301228.2, NM_001301229.2); c.146A>G, p.Lys49Arg (NM_001301231.2); short protein forms K29R, K49R.
Identifiers: ClinVar variation 2247329 (VCV002247329.6), dbSNP rs150269635, ClinGen allele CA10540054.
Genomic context (GRCh38, chrX:150,985,685, plus strand): 5'-CAAAGGGCAAGATGTCCGCTTATGCCTTCTTTGTGCAGACATGCAGAGAAGAACATAAGA[A>G]GAAAAACCCAGAGGTCCCTGTCAATTTTGCGGAATTTTCCAAGAAGTGCTCTGAGAGGTG-3'
Protein context (NP_005333.2, residues 19-39): FVQTCREEHK[Lys29Arg]KNPEVPVNFA

ClinVar aggregate classification (germline): Uncertain significance. Review status: criteria provided, multiple submitters, no conflicts (2 of 4 stars). 2 submissions from 2 submitters: Uncertain significance (2). Last evaluated 2024-12-31.

Allele frequency attached by ClinVar (database versions not stated): ESP Exome Variant Server 0.00047; ExAC 0.00009; TOPMed 0.00019; gnomAD 0.00021; gnomAD exomes 0.00025.
gnomAD v4.1: 286 of 1,206,560 alleles (0.024%); highest among the groups gnomAD compares: Non-Finnish European, 0.03%; no homozygotes.

Submissions (2):

Ambry Genetics
Classification: Uncertain significance. Last evaluated: 2024-12-31. Review status: criteria provided, single submitter. Criteria: Ambry Variant Classification Scheme 2023. Collection method: clinical testing. Allele origin: germline.

Labcorp Genetics (formerly Invitae), Labcorp
Classification: Uncertain significance. Last evaluated: 2024-10-17. Review status: criteria provided, single submitter. Criteria: Invitae Variant Classification Sherloc (09022015). Collection method: clinical testing. Allele origin: germline.
Comment: This sequence change replaces lysine, which is basic and polar, with arginine, which is basic and polar, at codon 29 of the HMGB3 protein (p.Lys29Arg). This variant is present in population databases (rs150269635, gnomAD 0.02%). This variant has not been reported in the literature in individuals affected with HMGB3-related conditions. ClinVar contains an entry for this variant (Variation ID: 2247329). An algorithm developed to predict the effect of missense changes on protein structure and function (PolyPhen-2) suggests that this variant is likely to be tolerated. In summary, the available evidence is currently insufficient to determine the role of this variant in disease. Therefore, it has been classified as a Variant of Uncertain Significance.